The following is an entry in ClinVar:

NM_019594.4(LRRC8A):c.469G>A (p.Val157Met)

Gene: LRRC8A (leucine rich repeat containing 8 VRAC subunit A; plus strand). Cytogenetic location: 9q34.11.
Variant type: single nucleotide variant.
Coding change: c.469G>A on transcript NM_019594.4 (MANE Select); coding-DNA position 469, G replaced by A.
Protein change: p.Val157Met; replaces valine 157 with methionine.
Molecular consequence: missense variant.
Genome position (GRCh38, 1-based): chr9:128,907,633, G>A. VCF-style: chr9-128907633-G-A. GRCh37 (hg19) VCF-style: chr9-131669912-G-A.
Other names: c.469G>A, p.Val157Met (NM_001127244.2, NM_001127245.2); short protein forms V157M.
Identifiers: ClinVar variation 1899065 (VCV001899065.5), dbSNP rs2491864948, ClinGen allele CA375074597.
Genomic context (GRCh38, chr9:128,907,633, plus strand): 5'-CTGGCCTGCAGCAACTTCTGGTTCAAATTCCCGCGCACCAGCTCGAAGCTGGAGCACTTT[G>A]TGTCTATCCTGCTGAAGTGCTTCGACTCGCCCTGGACCACGAGGGCCCTGTCGGAGACAG-3'
Protein context (NP_062540.2, residues 147-167): PRTSSKLEHF[Val157Met]SILLKCFDSP

ClinVar aggregate classification (germline): Uncertain significance (1 of 4 stars; one submission).

Submission:

Labcorp Genetics (formerly Invitae), Labcorp
Classification: Uncertain significance. Last evaluated: 2025-04-07. Review status: criteria provided, single submitter. Criteria: Invitae Variant Classification Sherloc (09022015). Collection method: clinical testing. Allele origin: germline.
Comment: This sequence change replaces valine, which is neutral and non-polar, with methionine, which is neutral and non-polar, at codon 157 of the LRRC8A protein (p.Val157Met). This variant is not present in population databases (gnomAD no frequency). This variant has not been reported in the literature in individuals affected with LRRC8A-related conditions. ClinVar contains an entry for this variant (Variation ID: 1899065). An algorithm developed to predict the effect of missense changes on protein structure and function (PolyPhen-2) suggests that this variant is likely to be disruptive. In summary, the available evidence is currently insufficient to determine the role of this variant in disease. Therefore, it has been classified as a Variant of Uncertain Significance.